The following is an entry in ClinVar:

NM_004560.4(ROR2):c.140T>A (p.Leu47His)

Gene: ROR2 (receptor tyrosine kinase like orphan receptor 2; minus strand). Cytogenetic location: 9q22.31.
Variant type: single nucleotide variant.
Coding change: c.140T>A on transcript NM_004560.4 (MANE Select); coding-DNA position 140, T replaced by A.
Protein change: p.Leu47His; replaces leucine 47 with histidine.
Molecular consequence: missense variant.
Genome position (GRCh38, 1-based): chr9:91,775,776, A>T on the plus strand (T>A on the coding strand, the complement: ROR2 is on the minus strand). VCF-style: chr9-91775776-A-T. GRCh37 (hg19) VCF-style: chr9-94538058-A-T.
Other names: c.140T>A, p.Leu47His (NM_001318204.2); short protein forms L47H.
Identifiers: ClinVar variation 2111276 (VCV002111276.4), dbSNP rs769187247, ClinGen allele CA373841112.

ClinVar aggregate classification (germline): Uncertain significance (1 of 4 stars; one submission).

gnomAD v4.1: 1 of 1,614,186 alleles (0.000062%); highest among the groups gnomAD compares: Admixed American, 0.0017%; no homozygotes.

Submission:

Labcorp Genetics (formerly Invitae), Labcorp
Classification: Uncertain significance. Last evaluated: 2022-10-07. Review status: criteria provided, single submitter. Criteria: Invitae Variant Classification Sherloc (09022015). Collection method: clinical testing. Allele origin: germline.
Comment: This variant has not been reported in the literature in individuals affected with ROR2-related conditions. This sequence change replaces leucine, which is neutral and non-polar, with histidine, which is basic and polar, at codon 47 of the ROR2 protein (p.Leu47His). This variant is not present in population databases (gnomAD no frequency). Advanced modeling of protein sequence and biophysical properties (such as structural, functional, and spatial information, amino acid conservation, physicochemical variation, residue mobility, and thermodynamic stability) performed at Invitae indicates that this missense variant is not expected to disrupt ROR2 protein function. In summary, the available evidence is currently insufficient to determine the role of this variant in disease. Therefore, it has been classified as a Variant of Uncertain Significance.